The following is an entry in ClinVar:

ClinVar aggregate classification (germline): Uncertain significance. Review status: criteria provided, multiple submitters, no conflicts (2 of 4 stars). 2 submissions from 2 submitters: Uncertain significance (2). Last evaluated 2025-09-23.

Allele frequency attached by ClinVar (database versions not stated): gnomAD 0.00002; TOPMed 0.00003; ESP Exome Variant Server 0.00008.
gnomAD v4.1: 37 of 1,613,684 alleles (0.0023%); highest among the groups gnomAD compares: Non-Finnish European, 0.0027%; no homozygotes.

Submissions (2):

Labcorp Genetics (formerly Invitae), Labcorp
Classification: Uncertain significance. Last evaluated: 2025-09-23. Review status: criteria provided, single submitter. Criteria: Invitae Variant Classification Sherloc (09022015). Collection method: clinical testing. Allele origin: germline.
Comment: This sequence change replaces arginine, which is basic and polar, with histidine, which is basic and polar, at codon 140 of the MICAL1 protein (p.Arg140His). This variant is present in population databases (rs374536962, gnomAD 0.01%). This variant has not been reported in the literature in individuals affected with MICAL1-related conditions. ClinVar contains an entry for this variant (Variation ID: 1933786). An algorithm developed to predict the effect of missense changes on protein structure and function (PolyPhen-2) suggests that this variant is likely to be disruptive. In summary, the available evidence is currently insufficient to determine the role of this variant in disease. Therefore, it has been classified as a Variant of Uncertain Significance.

Ambry Genetics
Classification: Uncertain significance. Last evaluated: 2025-09-22. Review status: criteria provided, single submitter. Criteria: Ambry Variant Classification Scheme 2023. Collection method: clinical testing. Allele origin: germline.

NM_022765.4(MICAL1):c.362G>A (p.Arg121His)

Gene: MICAL1 (microtubule associated monooxygenase, calponin and LIM domain containing 1; minus strand). Cytogenetic location: 6q21.
Variant type: single nucleotide variant.
Coding change: c.362G>A on transcript NM_022765.4 (MANE Select); coding-DNA position 362, G replaced by A.
Protein change: p.Arg121His; replaces arginine 121 with histidine.
Molecular consequence: missense variant.
Genome position (GRCh38, 1-based): chr6:109,453,742, C>T on the plus strand (G>A on the coding strand, the complement: MICAL1 is on the minus strand). VCF-style: chr6-109453742-C-T. GRCh37 (hg19) VCF-style: chr6-109774945-C-T.
Other names: c.362G>A (NM_022765.3); c.362G>A, p.Arg121His (NM_001159291.2); c.419G>A, p.Arg140His (NM_001286613.2); short protein forms R140H, R121H.
Identifiers: ClinVar variation 1933786 (VCV001933786.6), dbSNP rs374536962, ClinGen allele CA3953805.